The following is an entry in ClinVar:

NM_001002294.3(FMO3):c.488_489del (p.Leu163fs)

Genes: FMO3 (flavin containing dimethylaniline monoxygenase 3; plus strand), LOC126805916 (BRD4-independent group 4 enhancer GRCh37_chr1:171076844-171078043; plus strand). Cytogenetic location: 1q24.3.
Variant type: Deletion.
Coding change: c.488_489del on transcript NM_001002294.3 (MANE Select); coding-DNA positions 488 to 489, 2 bases deleted (TA; older notation c.488_489delTA).
Protein change: p.Leu163fs; shifts the reading frame from leucine 163.
Molecular consequence: frameshift variant.
Genome position (GRCh38, 1-based): chr1:171,108,082-171,108,083, TA deleted. VCF-style (leftmost placement, unchanged base first): chr1-171108081-CTA-C. GRCh37 (hg19) VCF-style: chr1-171077222-CTA-C.
Other names: c.428_429del, p.Leu143fs (NM_001319173.2); c.299_300del, p.Leu100fs (NM_001319174.2); c.488_489del, p.Leu163fs (NM_006894.6); short protein forms L100fs, L143fs, L163fs.
Identifiers: ClinVar variation 2840296 (VCV002840296.3), dbSNP rs2526329601, ClinGen allele CA2739275402.

ClinVar aggregate classification (germline): Pathogenic (1 of 4 stars; one submission).

Submission:

Labcorp Genetics (formerly Invitae), Labcorp
Classification: Pathogenic. Last evaluated: 2023-12-13. Review status: criteria provided, single submitter. Criteria: Invitae Variant Classification Sherloc (09022015). Collection method: clinical testing. Allele origin: germline.
Comment: This sequence change creates a premature translational stop signal (p.Leu163Glnfs*4) in the FMO3 gene. It is expected to result in an absent or disrupted protein product. Loss-of-function variants in FMO3 are known to be pathogenic (PMID: 20301282). This variant is not present in population databases (gnomAD no frequency). This variant has not been reported in the literature in individuals affected with FMO3-related conditions. For these reasons, this variant has been classified as Pathogenic.

Literature cited by the submitters: PubMed 20301282.